The following is an entry in ClinVar:

ClinVar aggregate classification (germline): Uncertain significance. Review status: criteria provided, multiple submitters, no conflicts (2 of 4 stars). 2 submissions from 2 submitters: Uncertain significance (2). Last evaluated 2023-08-18.

Conditions:
Bethlem myopathy 1A. Also called: MYOPATHY, BENIGN CONGENITAL, WITH CONTRACTURES; Bethlem myopathy 1; Bethlem Muscular Dystrophy. Identifiers: Orphanet 610, MedGen CN029274, MONDO:0024530, OMIM 158810.

Allele frequency attached by ClinVar (database versions not stated): ExAC 0.00001; gnomAD 0.00001; gnomAD exomes 0.00001 and 0.00003; TOPMed 0.00001; ESP Exome Variant Server 0.00008.

Submissions (2):

Labcorp Genetics (formerly Invitae), Labcorp
Classification: Uncertain significance for Bethlem myopathy 1A. Last evaluated: 2023-08-18. Review status: criteria provided, single submitter. Criteria: Invitae Variant Classification Sherloc (09022015). Collection method: clinical testing. Allele origin: germline.
Comment: In summary, the available evidence is currently insufficient to determine the role of this variant in disease. Therefore, it has been classified as a Variant of Uncertain Significance. Advanced modeling of protein sequence and biophysical properties (such as structural, functional, and spatial information, amino acid conservation, physicochemical variation, residue mobility, and thermodynamic stability) performed at Invitae indicates that this missense variant is not expected to disrupt COL6A3 protein function. ClinVar contains an entry for this variant (Variation ID: 197232). This variant has not been reported in the literature in individuals affected with COL6A3-related conditions. This variant is present in population databases (rs146429448, gnomAD 0.003%). This sequence change replaces alanine, which is neutral and non-polar, with threonine, which is neutral and polar, at codon 383 of the COL6A3 protein (p.Ala383Thr).

Eurofins Ntd Llc (ga)
Classification: Uncertain significance. Last evaluated: 2015-01-05. Review status: criteria provided, single submitter. Criteria: EGL Classification Definitions 2015. Collection method: clinical testing. Allele origin: germline. Observed: 1 variant allele, 1 heterozygote.

NM_004369.4(COL6A3):c.1147G>A (p.Ala383Thr)

Gene: COL6A3 (collagen type VI alpha 3 chain; minus strand). Cytogenetic location: 2q37.3.
Variant type: single nucleotide variant.
Coding change: c.1147G>A on transcript NM_004369.4 (MANE Select); coding-DNA position 1147, G replaced by A.
Protein change: p.Ala383Thr; replaces alanine 383 with threonine.
Molecular consequence: missense variant. On other transcripts: intron variant (2).
Genome position (GRCh38, 1-based): chr2:237,387,747, C>T on the plus strand (G>A on the coding strand, the complement: COL6A3 is on the minus strand). VCF-style: chr2-237387747-C-T. GRCh37 (hg19) VCF-style: chr2-238296390-C-T.
Other names: c.529G>A, p.Ala177Thr (NM_057165.5, NM_057167.4); c.92-6248G>A (NM_057166.5, NM_057164.5); short protein forms A383T, A177T.
Identifiers: ClinVar variation 197232 (VCV000197232.7), dbSNP rs146429448, ClinGen allele CA245241.